The following is an entry in ClinVar:

ClinVar aggregate classification (germline): Pathogenic. Review status: criteria provided, multiple submitters, no conflicts (2 of 4 stars). 6 submissions from 6 submitters: Pathogenic (3). 3 of the submissions do not count toward it. Last evaluated 2025-08-20.

Conditions:
Beta-thalassemia HBB/LCRB. Identifiers: MedGen CN322236, MONDO:0013517, OMIM 613985.
beta Thalassemia (BTHAL). Also called: Cooley's anemia; Erythroblastic anemia; Mediterranean anemia. Identifiers: Orphanet 848, MedGen C0005283, MONDO:0019402. Disease mechanism: loss of function.
BETA-PLUS-THALASSEMIA. Identifiers: MedGen C3841475.

gnomAD v4.1: 1 of 1,008,214 alleles (0.000099%); no homozygotes.

Submissions (6):

Natera, Inc.
Classification: Pathogenic for Beta thalassemia. Last evaluated: 2025-08-20. Review status: criteria provided, single submitter. Criteria: Natera Variant Classification Schema (03/2026). Collection method: clinical testing. Allele origin: germline.
Comment: The c.*113A>G variant in HBB is a 3' untranslated region (UTR) variant located downstream of the translation stop codon. This variant is rare in the general population with a frequency below the threshold expected for the associated phenotype(s). This variant has been observed in one or more individuals affected with the associated recessive disease, as either homozygous or compound heterozygous with a second variant (PMID: 1374896). Given the available evidence, this variant is classified as Pathogenic.

Labcorp Genetics (formerly Invitae), Labcorp
Classification: Pathogenic. Last evaluated: 2023-10-17. Review status: criteria provided, single submitter. Criteria: Invitae Variant Classification Sherloc (09022015). Collection method: clinical testing. Allele origin: germline.
Comment: This variant occurs in a non-coding region of the HBB gene. It does not change the encoded amino acid sequence of the HBB protein. This variant is not present in population databases (gnomAD no frequency). This variant has been observed in individuals with autosomal recessive beta thalassemia (PMID: 1374896, 24719849). This variant is also known as Poly A (AATAAA>AATAAG). ClinVar contains an entry for this variant (Variation ID: 15473). Studies have shown that this variant alters HBB gene expression (PMID: 1374896). For these reasons, this variant has been classified as Pathogenic.

Women's Health and Genetics/Laboratory Corporation of America, LabCorp
Classification: Pathogenic for beta Thalassemia. Last evaluated: 2021-07-19. Review status: criteria provided, single submitter. Criteria: LabCorp Variant Classification Summary - May 2015. Collection method: clinical testing. Allele origin: germline.
Comment: Variant summary: HBB c.*113A>G (a.k.a. Poly(A) AATAAA>AATAAG) variant involves the alteration of a non-conserved nucleotide located at the last nucleotide of the polyA tail. Analysis of RNA derived from peripheral blood of patients carrying this mutation revealed several species of extended transcripts, indicating that the mutation interferes with mRNA cleavage (Rund_1991). The variant was absent in 31396 control chromosomes (gnomAD). It has been reported in numerous BTHAL patients (both intermediate and major types) (example: Rund_1991, Shaji_2003, Khelil_2010, and Kalla_1997). Rund et al noted that this mutation leads to a moderate Beta+thalassemia phenotype and patients who are compound heterozygotes for this mutation and a beta0 mutation require transfusions less frequently than most patients with Beta+thalassemia major (Rund_1991). Two other ClinVar submitters (evaluation after 2014) cite the variant as pathogenic/likely pathogenic. Based on the evidence outlined above, the variant was classified as pathogenic.

Counsyl
Classification: Likely pathogenic for Beta-thalassemia HBB/LCRB. Last evaluated: 2017-04-04. Review status: no assertion criteria provided. Collection method: clinical testing. Allele origin: unknown. Not counted in ClinVar's aggregate classification.

OMIM
Classification: Pathogenic for BETA-PLUS-THALASSEMIA. Last evaluated: 1992-05-15. Review status: no assertion criteria provided. Collection method: literature only. Allele origin: germline. Not counted in ClinVar's aggregate classification.

GeneReviews
No classification provided. Condition: beta Thalassemia. Review status: no classification provided. Collection method: literature only. Allele origin: germline. Not counted in ClinVar's aggregate classification.

Literature cited by the submitters: PubMed 1374896 (cited by 4 submitters); PubMed 24719849 (cited by Labcorp Genetics (formerly Invitae), Labcorp and Counsyl); PubMed 9140720 (cited by Women's Health and Genetics/Laboratory Corporation of America, LabCorp); PubMed 1986379 (cited by Women's Health and Genetics/Laboratory Corporation of America, LabCorp and OMIM); PubMed 12709369 (cited by Women's Health and Genetics/Laboratory Corporation of America, LabCorp); PubMed 20113284 (cited by Women's Health and Genetics/Laboratory Corporation of America, LabCorp); PubMed 25677748 (cited by Women's Health and Genetics/Laboratory Corporation of America, LabCorp); PubMed 1705411 (cited by Counsyl); Rund, D., Filon, D., Rachmilewitz, E. A., Cohen, T., Dowling, C., Kazazian, H. H., Oppenheim, A. Molecular analysis of beta-thalassemia in Kurdish Jews: novel mutations and expression studies. (Abstract) Blood 74 (suppl. 1): 220a, 1989. (cited by OMIM); NCBI Bookshelf NBK1426 (cited by GeneReviews).

NM_000518.5(HBB):c.*113A>G

Genes: HBB (hemoglobin subunit beta; minus strand), LOC107133510 (origin of replication at HBB; plus strand), LOC110006319 (beta-globin gene 3' regulatory region; plus strand). Cytogenetic location: 11p15.4.
Variant type: single nucleotide variant.
Coding change: c.*113A>G on transcript NM_000518.5 (MANE Select); 113 bases downstream of the stop codon, A replaced by G.
Molecular consequence: 3 prime UTR variant.
Genome position (GRCh38, 1-based): chr11:5,225,485, T>C on the plus strand (A>G on the coding strand, the complement: HBB is on the minus strand). VCF-style: chr11-5225485-T-C. GRCh37 (hg19) VCF-style: chr11-5246715-T-C.
Other names: AATAAG; 3-UNT, A-G, +6.
Identifiers: ClinVar variation 15473 (VCV000015473.17), dbSNP rs33985472, ClinGen allele CA125330.